The following is an entry in ClinVar:

ClinVar aggregate classification (germline): Likely pathogenic (1 of 4 stars; one submission).

Conditions:
Dilated cardiomyopathy 1G (CMD1G). Identifiers: Orphanet 154, MedGen C1858763, MONDO:0011400, OMIM 604145.
Autosomal recessive limb-girdle muscular dystrophy type 2J (LGMDR10). Also called: Limb-girdle muscular dystrophy, type 2J; MUSCULAR DYSTROPHY, LIMB-GIRDLE, AUTOSOMAL RECESSIVE 10. Identifiers: Orphanet 140922, MedGen C1837342, MONDO:0012127, OMIM 608807.

Submission:

Labcorp Genetics (formerly Invitae), Labcorp
Classification: Likely pathogenic for Dilated cardiomyopathy 1G; Autosomal recessive limb-girdle muscular dystrophy type 2J. Last evaluated: 2020-06-04. Review status: criteria provided, single submitter. Criteria: Invitae Variant Classification Sherloc (09022015). Collection method: clinical testing. Allele origin: germline.
Comment: This sequence change results in a premature translational stop signal in the TTN gene (p.Thr17579Metfs*10). While this is not anticipated to result in nonsense mediated decay, it is expected to create a truncated TTN protein. This variant is not present in population databases (ExAC no frequency). This variant has not been reported in the literature in individuals with TTN-related conditions. This variant is located in the A band of TTN (PMID: 25589632). Truncating variants in this region are significantly overrepresented in patients affected with dilated cardiomyopathy (PMID: 25589632). Truncating variants in this region have also been reported in individuals affected with autosomal recessive centronuclear myopathy (PMID: 23975875). In summary, the currently available evidence indicates that the variant is pathogenic, but additional data are needed to prove that conclusively. Therefore, this variant has been classified as Likely Pathogenic.

Literature cited by the submitters: PubMed 25589632; PubMed 23975875.

NM_001267550.2(TTN):c.52736del (p.Thr17579fs)

Genes: TTN-AS1 (TTN antisense RNA 1; plus strand), TTN (titin; minus strand), LOC126806425 (BRD4-independent group 4 enhancer GRCh37_chr2:179471933-179473132; plus strand). Cytogenetic location: 2q31.2.
Variant type: Deletion.
Coding change: c.52736del on transcript NM_001267550.2 (MANE Select); coding-DNA position 52736, one base deleted (C; older notation c.52736delC).
Protein change: p.Thr17579fs; shifts the reading frame from threonine 17579.
Molecular consequence: frameshift variant.
Genome position (GRCh38, 1-based): chr2:178,608,051, G deleted on the plus strand (C on the coding strand, the reverse complement: TTN is on the minus strand). VCF-style (leftmost placement, unchanged base first): chr2-178608050-AG-A. GRCh37 (hg19) VCF-style: chr2-179472777-AG-A.
Other names: c.47813del, p.Thr15938fs (NM_001256850.1); c.25541del, p.Thr8514fs (NM_003319.4); c.45032del, p.Thr15011fs (NM_133378.4); c.25916del, p.Thr8639fs (NM_133432.3); c.26117del, p.Thr8706fs (NM_133437.4); short protein forms T15011fs, T15938fs, T17579fs, T8514fs, T8639fs, T8706fs.
Identifiers: ClinVar variation 1067435 (VCV001067435.12), dbSNP rs2154197312, ClinGen allele CA2499215424.